The following is an entry in ClinVar:

NM_025243.4(SLC19A3):c.979+93G>A

Gene: SLC19A3 (solute carrier family 19 member 3; minus strand). Cytogenetic location: 2q36.3.
Variant type: single nucleotide variant.
Coding change: c.979+93G>A on transcript NM_025243.4 (MANE Select); 93 bases into the intron after coding-DNA position 979, G replaced by A.
Molecular consequence: intron variant.
Genome position (GRCh38, 1-based): chr2:227,698,643, C>T on the plus strand (G>A on the coding strand, the complement: SLC19A3 is on the minus strand). VCF-style: chr2-227698643-C-T. GRCh37 (hg19) VCF-style: chr2-228563359-C-T.
Identifiers: ClinVar variation 676326 (VCV000676326.2), dbSNP rs80269916, ClinGen allele CA66659982.

ClinVar aggregate classification (germline): Benign. Review status: criteria provided, multiple submitters, no conflicts (2 of 4 stars). 2 submissions from 2 submitters: Benign (2). Last evaluated 2018-06-16.

Allele frequency attached by ClinVar (database versions not stated): gnomAD 0.04165 and 0.04498; TOPMed 0.04599; 1000 Genomes Project 0.04653; 1000 Genomes Project 30x 0.05231.

Submissions (2):

GeneDx
Classification: Benign. Last evaluated: 2018-06-16. Review status: criteria provided, single submitter. Criteria: GeneDx Variant Classification (06012015). Collection method: clinical testing. Allele origin: germline. Affected: yes.
Comment: This variant is considered likely benign or benign based on one or more of the following criteria: it is a conservative change, it occurs at a poorly conserved position in the protein, it is predicted to be benign by multiple in silico algorithms, and/or has population frequency not consistent with disease.

Breakthrough Genomics
Classification: Benign. Review status: criteria provided, single submitter. Criteria: ACMG Guidelines, 2015. Collection method: not provided. Allele origin: germline. Inheritance: Autosomal recessive inheritance. Affected: yes.